The following is an entry in ClinVar:

ClinVar aggregate classification (germline): Uncertain significance. Review status: criteria provided, multiple submitters, no conflicts (2 of 4 stars). 2 submissions from 2 submitters: Uncertain significance (2). Last evaluated 2025-12-02.

Submissions (2):

Ambry Genetics
Classification: Uncertain significance. Last evaluated: 2025-12-02. Review status: criteria provided, single submitter. Criteria: Ambry Variant Classification Scheme 2023. Collection method: clinical testing. Allele origin: germline.

Labcorp Genetics (formerly Invitae), Labcorp
Classification: Uncertain significance. Last evaluated: 2025-11-25. Review status: criteria provided, single submitter. Criteria: Invitae Variant Classification Sherloc (09022015). Collection method: clinical testing. Allele origin: germline.
Comment: This sequence change replaces proline, which is neutral and non-polar, with leucine, which is neutral and non-polar, at codon 256 of the GPR88 protein (p.Pro256Leu). This variant is present in population databases (no rsID available, gnomAD 5%). This variant has not been reported in the literature in individuals affected with GPR88-related conditions. Experimental studies and prediction algorithms are not available or were not evaluated, and the functional significance of this variant is currently unknown. In summary, the available evidence is currently insufficient to determine the role of this variant in disease. Therefore, it has been classified as a Variant of Uncertain Significance.

NM_022049.3(GPR88):c.767C>T (p.Pro256Leu)

Gene: GPR88 (G protein-coupled receptor 88; plus strand). Cytogenetic location: 1p21.2.
Variant type: single nucleotide variant.
Coding change: c.767C>T on transcript NM_022049.3 (MANE Select); coding-DNA position 767, C replaced by T.
Protein change: p.Pro256Leu; replaces proline 256 with leucine.
Molecular consequence: missense variant.
Genome position (GRCh38, 1-based): chr1:100,539,733, C>T. VCF-style: chr1-100539733-C-T. GRCh37 (hg19) VCF-style: chr1-101005289-C-T.
Other names: short protein forms P256L.
Identifiers: ClinVar variation 4673455 (VCV004673455.2).